The following is an entry in ClinVar:

NM_015922.3(NSDHL):c.869C>T (p.Ala290Val)

Gene: NSDHL (NAD(P) dependent 3-beta-hydroxysteroid dehydrogenase NSDHL; plus strand). Cytogenetic location: Xq28.
Variant type: single nucleotide variant.
Coding change: c.869C>T on transcript NM_015922.3 (MANE Select); coding-DNA position 869, C replaced by T.
Protein change: p.Ala290Val; replaces alanine 290 with valine.
Molecular consequence: missense variant.
Genome position (GRCh38, 1-based): chrX:152,868,863, C>T. VCF-style: chrX-152868863-C-T. GRCh37 (hg19) VCF-style: chrX-152037407-C-T.
Other names: c.869C>T, p.Ala290Val (NM_001129765.2); short protein forms A290V.
Identifiers: ClinVar variation 1302619 (VCV001302619.9), dbSNP rs782041671, ClinGen allele CA10544864.
Genomic context (GRCh38, chrX:152,868,863, plus strand): 5'-ATGAGCCCATCCCTTTCTGGACATTCCTGTCTCGCATCCTGACAGGCCTCAATTATGAGG[C>T]CCCCAAGTACCACATCCCCTACTGGGTGGCCTACTACCTGGCCCTCCTGCTATCCCTGCT-3'
Protein context (NP_057006.1, residues 280-300): SRILTGLNYE[Ala290Val]PKYHIPYWVA

ClinVar aggregate classification (germline): Uncertain significance. Review status: criteria provided, multiple submitters, no conflicts (2 of 4 stars). 2 submissions from 2 submitters: Uncertain significance (2). Last evaluated 2025-07-14.

Allele frequency attached by ClinVar (database versions not stated): ExAC 0.00001.
gnomAD v4.1: 3 of 1,209,056 alleles (0.00025%); highest among the groups gnomAD compares: Admixed American, 0.0022%; no homozygotes.

Submissions (2):

Labcorp Genetics (formerly Invitae), Labcorp
Classification: Uncertain significance. Last evaluated: 2025-07-14. Review status: criteria provided, single submitter. Criteria: Invitae Variant Classification Sherloc (09022015). Collection method: clinical testing. Allele origin: germline.
Comment: This sequence change replaces alanine, which is neutral and non-polar, with valine, which is neutral and non-polar, at codon 290 of the NSDHL protein (p.Ala290Val). This variant is present in population databases (rs782041671, gnomAD 0.001%). This variant has not been reported in the literature in individuals affected with NSDHL-related conditions. ClinVar contains an entry for this variant (Variation ID: 1302619). An algorithm developed to predict the effect of missense changes on protein structure and function (PolyPhen-2) suggests that this variant is likely to be tolerated. In summary, the available evidence is currently insufficient to determine the role of this variant in disease. Therefore, it has been classified as a Variant of Uncertain Significance.

GeneDx
Classification: Uncertain significance. Last evaluated: 2023-01-25. Review status: criteria provided, single submitter. Criteria: GeneDx Variant Classification Process June 2021. Collection method: clinical testing. Allele origin: germline. Affected: yes.
Comment: In silico analysis supports that this missense variant does not alter protein structure/function; Has not been previously published as pathogenic or benign to our knowledge